The following is an entry in ClinVar:

ClinVar aggregate classification (germline): Uncertain significance (1 of 4 stars; one submission).

Submission:

Labcorp Genetics (formerly Invitae), Labcorp
Classification: Uncertain significance. Last evaluated: 2023-10-17. Review status: criteria provided, single submitter. Criteria: Invitae Variant Classification Sherloc (09022015). Collection method: clinical testing. Allele origin: germline.
Comment: This sequence change replaces valine, which is neutral and non-polar, with isoleucine, which is neutral and non-polar, at codon 2101 of the FBN3 protein (p.Val2101Ile). This variant is not present in population databases (gnomAD no frequency). This variant has not been reported in the literature in individuals affected with FBN3-related conditions. Algorithms developed to predict the effect of missense changes on protein structure and function output the following: SIFT: "Not Available"; PolyPhen-2: "Benign"; Align-GVGD: "Not Available". The isoleucine amino acid residue is found in multiple mammalian species, which suggests that this missense change does not adversely affect protein function. In summary, the available evidence is currently insufficient to determine the role of this variant in disease. Therefore, it has been classified as a Variant of Uncertain Significance.

NM_032447.5(FBN3):c.6301G>A (p.Val2101Ile)

Gene: FBN3 (fibrillin 3; minus strand). Cytogenetic location: 19p13.2.
Variant type: single nucleotide variant.
Coding change: c.6301G>A on transcript NM_032447.5 (MANE Select); coding-DNA position 6301, G replaced by A.
Protein change: p.Val2101Ile; replaces valine 2101 with isoleucine.
Molecular consequence: missense variant.
Genome position (GRCh38, 1-based): chr19:8,089,620, C>T on the plus strand (G>A on the coding strand, the complement: FBN3 is on the minus strand). VCF-style: chr19-8089620-C-T. GRCh37 (hg19) VCF-style: chr19-8154504-C-T.
Other names: c.6301G>A, p.Val2101Ile (NM_001321431.2); short protein forms V2101I.
Identifiers: ClinVar variation 2763155 (VCV002763155.3), dbSNP rs2512650735, ClinGen allele CA403718139.